The following is an entry in ClinVar:

NM_213622.4(STAMBP):c.1172G>A (p.Arg391His)

Gene: STAMBP (STAM binding protein; plus strand). Cytogenetic location: 2p13.1.
Variant type: single nucleotide variant.
Coding change: c.1172G>A on transcript NM_213622.4 (MANE Select); coding-DNA position 1172, G replaced by A.
Protein change: p.Arg391His; replaces arginine 391 with histidine.
Molecular consequence: missense variant. On other transcripts: non-coding transcript variant (4).
Genome position (GRCh38, 1-based): chr2:73,860,105, G>A. VCF-style: chr2-73860105-G-A. GRCh37 (hg19) VCF-style: chr2-74087232-G-A.
Other names: c.1172G>A, p.Arg391His (NM_001353967.2, NM_001353968.2, NM_001353969.2 and 3 more transcripts); c.767G>A, p.Arg256His (NM_001353971.2, NM_001353972.2, NM_001353973.2 and 3 more transcripts); short protein forms R391H, R256H.
Identifiers: ClinVar variation 1349105 (VCV001349105.8), dbSNP rs181632285, ClinGen allele CA1717726.

ClinVar aggregate classification (germline): Uncertain significance (1 of 4 stars; one submission).

Allele frequency attached by ClinVar (database versions not stated): gnomAD 0.00001; gnomAD exomes 0.00001; ExAC 0.00002; TOPMed 0.00002; 1000 Genomes Project 30x 0.00016; 1000 Genomes Project 0.00020.
gnomAD v4.1: 15 of 1,613,562 alleles (0.00093%); highest among the groups gnomAD compares: Middle Eastern, 0.016%; no homozygotes.

Submission:

Labcorp Genetics (formerly Invitae), Labcorp
Classification: Uncertain significance. Last evaluated: 2021-12-02. Review status: criteria provided, single submitter. Criteria: Invitae Variant Classification Sherloc (09022015). Collection method: clinical testing. Allele origin: germline.
Comment: In summary, the available evidence is currently insufficient to determine the role of this variant in disease. Therefore, it has been classified as a Variant of Uncertain Significance. Algorithms developed to predict the effect of missense changes on protein structure and function are either unavailable or do not agree on the potential impact of this missense change (SIFT: "Tolerated"; PolyPhen-2: "Possibly Damaging"; Align-GVGD: "Class C0"). This variant has not been reported in the literature in individuals affected with STAMBP-related conditions. This variant is present in population databases (rs181632285, gnomAD 0.007%). This sequence change replaces arginine, which is basic and polar, with histidine, which is basic and polar, at codon 391 of the STAMBP protein (p.Arg391His).